The following is an entry in ClinVar:

NM_001292063.2(OTOG):c.59_84del (p.Glu20fs)

Gene: OTOG (otogelin; plus strand). Cytogenetic location: 11p15.1.
Variant type: Deletion.
Coding change: c.59_84del on transcript NM_001292063.2 (MANE Select); coding-DNA positions 59 to 84, 26 bases deleted (AGCAGGCAGCCGAGTCCCTGCGGGTG).
Protein change: p.Glu20fs; shifts the reading frame from glutamic acid 20.
Molecular consequence: frameshift variant.
Genome position (GRCh38, 1-based): chr11:17,547,431-17,547,456, AGCAGGCAGCCGAGTCCCTGCGGGTG deleted; deleting any 26 consecutive bases within chr11:17,547,426-17,547,456 gives the same sequence; the c. name uses the placement nearest the transcript's 3' end. VCF-style (leftmost placement, unchanged base first): chr11-17547425-GGGGTGAGCAGGCAGCCGAGTCCCTGC-G. GRCh37 (hg19) VCF-style: chr11-17568972-GGGGTGAGCAGGCAGCCGAGTCCCTGC-G.
Other names: c.59_84del, p.Glu20fs (NM_001277269.2); short protein forms E20fs.
Identifiers: ClinVar variation 5007835 (VCV005007835.2).

ClinVar aggregate classification (germline): Likely pathogenic (1 of 4 stars; one submission).

Conditions:
Autosomal recessive nonsyndromic hearing loss 18B. Also called: Deafness, autosomal recessive 18b. Identifiers: Orphanet 90636, MedGen C3554163, MONDO:0013985, OMIM 614945.

Submission:

Juno Genomics, Hangzhou Juno Genomics, Inc
Classification: Likely pathogenic for Autosomal recessive nonsyndromic hearing loss 18B. Review status: criteria provided, single submitter. Criteria: ACMG Guidelines, 2015. Collection method: clinical testing. Allele origin: germline.
Comment: Null variant in a gene where loss of function (LOF) is a known mechanism of disease.;Absent from controls (or at extremely low frequency if recessive) in Genome Aggregation Database.